The following is an entry in ClinVar:

NM_000243.3(MEFV):c.2263A>G (p.Ile755Val)

Gene: MEFV (MEFV innate immunity regulator, pyrin; minus strand). Cytogenetic location: 16p13.3.
Variant type: single nucleotide variant.
Coding change: c.2263A>G on transcript NM_000243.3 (MANE Select); coding-DNA position 2263, A replaced by G.
Protein change: p.Ile755Val; replaces isoleucine 755 with valine.
Molecular consequence: missense variant. On other transcripts: 3 prime UTR variant (1).
Genome position (GRCh38, 1-based): chr16:3,243,224, T>C on the plus strand (A>G on the coding strand, the complement: MEFV is on the minus strand). VCF-style: chr16-3243224-T-C. GRCh37 (hg19) VCF-style: chr16-3293224-T-C.
Other names: c.*467A>G (NM_001198536.2); short protein forms I755V.
Identifiers: ClinVar variation 97507 (VCV000097507.8), dbSNP rs104895194, ClinGen allele CA280561.

ClinVar aggregate classification (germline): Conflicting classifications of pathogenicity. Review status: criteria provided, conflicting classifications (1 of 4 stars). 8 submissions from 6 submitters: Uncertain significance (3); Benign (1); Likely benign (2). 2 of the submissions do not count toward it. Last evaluated 2023-02-08.

Conditions:
Acute febrile neutrophilic dermatosis (AFND). Also called: Gomm Button disease; Sweet Syndrome. Identifiers: Orphanet 3243, MedGen C0085077, MONDO:0011959, OMIM 608068.
Familial Mediterranean fever (FMF). Also called: POLYSEROSITIS, FAMILIAL PAROXYSMAL; POLYSEROSITIS, RECURRENT; Periodic peritonitis; Benign paroxysmal peritonitis. Identifiers: Orphanet 342, MedGen C0031069, MONDO:0018088, OMIM 249100. Disease mechanism: gain of function.
Familial Mediterranean fever, autosomal dominant. Also called: FMF, AUTOSOMAL DOMINANT; Dominant Familial Mediterranean Fever. Identifiers: Orphanet 342, MedGen C1851347, MONDO:0007601, OMIM 134610.

Allele frequency attached by ClinVar (database versions not stated): ExAC 0.00005; ESP Exome Variant Server 0.00008; gnomAD 0.00006 and 0.00003; 1000 Genomes Project 0.00040; gnomAD exomes 0.00004 and 0.00001; TOPMed 0.00003; 1000 Genomes Project 30x 0.00031.
gnomAD v4.1: 30 of 1,614,066 alleles (0.0019%); highest among the groups gnomAD compares: East Asian, 0.025%; no homozygotes.

Submissions (8):

Genome-Nilou Lab
Classification: Likely benign for Familial Mediterranean fever. Last evaluated: 2023-02-08. Review status: criteria provided, single submitter. Criteria: ACMG Guidelines, 2015. Collection method: clinical testing. Allele origin: germline.

Genome-Nilou Lab
Classification: Likely benign for Familial Mediterranean fever, autosomal dominant. Last evaluated: 2023-02-08. Review status: criteria provided, single submitter. Criteria: ACMG Guidelines, 2015. Collection method: clinical testing. Allele origin: germline.

Genome-Nilou Lab
Classification: Benign for Acute febrile neutrophilic dermatosis. Last evaluated: 2023-02-08. Review status: criteria provided, single submitter. Criteria: ACMG Guidelines, 2015. Collection method: clinical testing. Allele origin: germline.

Labcorp Genetics (formerly Invitae), Labcorp
Classification: Uncertain significance for Familial Mediterranean fever. Last evaluated: 2022-07-13. Review status: criteria provided, single submitter. Criteria: Invitae Variant Classification Sherloc (09022015). Collection method: clinical testing. Allele origin: germline.
Comment: This sequence change replaces isoleucine, which is neutral and non-polar, with valine, which is neutral and non-polar, at codon 755 of the MEFV protein (p.Ile755Val). This variant is present in population databases (rs104895194, gnomAD 0.03%). This missense change has been observed in individual(s) with clinical features of MEFV-related conditions (PMID: 21520333). ClinVar contains an entry for this variant (Variation ID: 97507). Algorithms developed to predict the effect of missense changes on protein structure and function output the following: SIFT: "Tolerated"; PolyPhen-2: "Benign"; Align-GVGD: "Class C0". The valine amino acid residue is found in multiple mammalian species, which suggests that this missense change does not adversely affect protein function. In summary, the available evidence is currently insufficient to determine the role of this variant in disease. Therefore, it has been classified as a Variant of Uncertain Significance.

Fulgent Genetics
Classification: Uncertain significance for Familial Mediterranean fever, autosomal dominant; Familial Mediterranean fever; Acute febrile neutrophilic dermatosis. Last evaluated: 2021-10-11. Review status: criteria provided, single submitter. Criteria: ACMG Guidelines, 2015. Collection method: clinical testing. Allele origin: unknown.

GeneDx
Classification: Uncertain significance. Last evaluated: 2019-04-29. Review status: criteria provided, single submitter. Criteria: GeneDx Variant Classification Process June 2021. Collection method: clinical testing. Allele origin: germline. Affected: yes.
Comment: In silico analysis, which includes protein predictors and evolutionary conservation, supports that this variant does not alter protein structure/function; Has not been previously published as pathogenic or benign to our knowledge

Natera, Inc.
Classification: Uncertain significance for Familial Mediterranean fever. Last evaluated: 2020-09-16. Review status: no assertion criteria provided. Collection method: clinical testing. Allele origin: germline. Not counted in ClinVar's aggregate classification.

Unité médicale des maladies autoinflammatoires, CHRU Montpellier
No classification provided. Condition: Familial Mediterranean fever. Review status: no classification provided. Collection method: not provided. Allele origin: unknown. Not counted in ClinVar's aggregate classification.

Literature cited by the submitters: PubMed 21520333 (cited by Labcorp Genetics (formerly Invitae), Labcorp).